The following is an entry in ClinVar:

NM_182943.3(PLOD2):c.1134T>C (p.Phe378=)

Gene: PLOD2 (procollagen-lysine,2-oxoglutarate 5-dioxygenase 2; minus strand). Cytogenetic location: 3q24.
Variant type: single nucleotide variant.
Coding change: c.1134T>C on transcript NM_182943.3 (MANE Select); coding-DNA position 1134, T replaced by C.
Protein change: p.Phe378=; no amino-acid change (phenylalanine 378 retained).
Molecular consequence: synonymous variant.
Genome position (GRCh38, 1-based): chr3:146,085,267, A>G on the plus strand (T>C on the coding strand, the complement: PLOD2 is on the minus strand). VCF-style: chr3-146085267-A-G. GRCh37 (hg19) VCF-style: chr3-145803054-A-G.
Other names: c.1134T>C, p.Phe378= (NM_000935.3).
Identifiers: ClinVar variation 3352852 (VCV003352852.1).
Genomic context (GRCh38, chr3:146,085,267, plus strand): 5'-TGTCAAAACAACATCTGCATCCACACTAAAGTAATAATCACACTTTTCATCCTGACGGCA[A>G]AAGTCCCTAACAGTGAAAAAGAAAATGAAATGGGCATGACATAAAATAAATATCTGCTGA-3'
Protein context (NP_891988.1, residues 368-388): QAEARNMGMD[Phe378=]CRQDEKCDYY

ClinVar aggregate classification (germline): Likely benign (0 of 4 stars; one submission).

Conditions:
PLOD2-related disorder. Also called: PLOD2-related condition.

gnomAD v4.1: 82 of 1,567,040 alleles (0.0052%); highest among the groups gnomAD compares: Non-Finnish European, 0.0067%; no homozygotes.

Submission:

PreventionGenetics, part of Exact Sciences
Classification: Likely benign for PLOD2-related condition. Last evaluated: 2019-03-05. Review status: no assertion criteria provided. Collection method: clinical testing. Allele origin: germline.
Comment: This variant is classified as likely benign based on ACMG/AMP sequence variant interpretation guidelines (Richards et al. 2015 PMID: 25741868, with internal and published modifications).